The following is an entry in ClinVar:

ClinVar aggregate classification (germline): Pathogenic. Review status: criteria provided, multiple submitters, no conflicts (2 of 4 stars). 4 submissions from 4 submitters: Pathogenic (3). 1 of the submissions does not count toward it. Last evaluated 2024-06-13.

Conditions:
Christianson syndrome (MRXSCH). Also called: X-linked mental retardation, syndromic, Christianson type; INTELLECTUAL DEVELOPMENTAL DISORDER, X-LINKED, SYNDROMIC, CHRISTIANSON TYPE; SLC9A6-Related Syndromic Mental Retardation. Identifiers: Orphanet 85278, MedGen C2678194, MONDO:0010278, OMIM 300243.

Submissions (4):

3billion
Classification: Pathogenic for Christianson syndrome. Last evaluated: 2024-06-13. Review status: criteria provided, single submitter. Criteria: ACMG Guidelines, 2015. Collection method: clinical testing. Allele origin: germline. Affected: yes.
Comment: The variant is not observed in the gnomAD v4.0.0 dataset. Predicted Consequence/Location: Stop-gained (nonsense): predicted to result in a loss or disruption of normal protein function through nonsense-mediated decay (NMD) or protein truncation. Multiple pathogenic variants are reported downstream of the variant. The variant has been reported at least twice as pathogenic with clinical assertions and evidence for the classification (ClinVar ID: VCV000011477 /PMID: 18342287). Therefore, this variant is classified as Pathogenic according to the recommendation of ACMG/AMP guideline.

CeGaT Center for Human Genetics Tuebingen
Classification: Pathogenic. Last evaluated: 2023-09-01. Review status: criteria provided, single submitter. Criteria: CeGaT Center For Human Genetics Tuebingen Variant Classification Criteria Version 2. Collection method: clinical testing. Allele origin: germline. Affected: yes. Observed: 1 variant allele.
Comment: SLC9A6: PVS1, PM2, PS4:Moderate

GeneDx
Classification: Pathogenic. Last evaluated: 2019-01-21. Review status: criteria provided, single submitter. Criteria: GeneDx Variant Classification (06012015). Collection method: clinical testing. Allele origin: germline. Affected: yes.
Comment: The R468X pathogenic variant in the SLC9A6 gene has been reported previously in association with SLC9A6-related disorders (Gilfillan et al., 2008; Schroer et al., 2010). This variant is predicted to cause loss of normal protein function either through protein truncation or nonsense-mediated mRNA decay. The R468X variant is not observed in large population cohorts (Lek et al., 2016).

OMIM
Classification: Pathogenic for INTELLECTUAL DEVELOPMENTAL DISORDER, X-LINKED, SYNDROMIC, CHRISTIANSON TYPE. Last evaluated: 2014-10-01. Review status: no assertion criteria provided. Collection method: literature only. Allele origin: germline. Not counted in ClinVar's aggregate classification.

Literature cited by the submitters: PubMed 18342287 (cited by 3billion and OMIM); PubMed 25044251 (cited by OMIM).

NM_001379110.1(SLC9A6):c.1342C>T (p.Arg448Ter)

Gene: SLC9A6 (solute carrier family 9 member A6; plus strand). Cytogenetic location: Xq26.3.
Variant type: single nucleotide variant.
Coding change: c.1342C>T on transcript NM_001379110.1 (MANE Select); coding-DNA position 1342, C replaced by T.
Protein change: p.Arg448Ter; replaces arginine 448 with a stop codon.
Molecular consequence: nonsense.
Genome position (GRCh38, 1-based): chrX:136,024,365, C>T. VCF-style: chrX-136024365-C-T. GRCh37 (hg19) VCF-style: chrX-135106524-C-T.
Other names: c.1498C>T, p.Arg500Ter (NM_001042537.2); c.1342C>T, p.Arg448Ter (NM_001177651.2); c.1246C>T, p.Arg416Ter (NM_001330652.2); c.1402C>T, p.Arg468Ter (NM_006359.3); short protein forms R468*, R448*, R500*, R416*.
Identifiers: ClinVar variation 11477 (VCV000011477.29), dbSNP rs122461162, ClinGen allele CA121507.